The following is an entry in ClinVar:

NM_021813.4(BACH2):c.1018T>A (p.Cys340Ser)

Gene: BACH2 (BACH transcriptional regulator 2; minus strand). Cytogenetic location: 6q15.
Variant type: single nucleotide variant.
Coding change: c.1018T>A on transcript NM_021813.4 (MANE Select); coding-DNA position 1018, T replaced by A.
Protein change: p.Cys340Ser; replaces cysteine 340 with serine.
Molecular consequence: missense variant.
Genome position (GRCh38, 1-based): chr6:89,951,088, A>T on the plus strand (T>A on the coding strand, the complement: BACH2 is on the minus strand). VCF-style: chr6-89951088-A-T. GRCh37 (hg19) VCF-style: chr6-90660807-A-T.
Other names: c.1018T>A, p.Cys340Ser (NM_001170794.2); short protein forms C340S.
Identifiers: ClinVar variation 2095421 (VCV002095421.4), dbSNP rs370480083, ClinGen allele CA143342180.

ClinVar aggregate classification (germline): Uncertain significance (1 of 4 stars; one submission).

Allele frequency attached by ClinVar (database versions not stated): gnomAD exomes below 0.00001; gnomAD 0.00001; TOPMed 0.00001; ESP Exome Variant Server 0.00008.
gnomAD v4.1: 6 of 1,612,436 alleles (0.00037%); highest among the groups gnomAD compares: Non-Finnish European, 0.00034%; no homozygotes.

Submission:

Labcorp Genetics (formerly Invitae), Labcorp
Classification: Uncertain significance. Last evaluated: 2024-10-21. Review status: criteria provided, single submitter. Criteria: Invitae Variant Classification Sherloc (09022015). Collection method: clinical testing. Allele origin: germline.
Comment: This sequence change replaces cysteine, which is neutral and slightly polar, with serine, which is neutral and polar, at codon 340 of the BACH2 protein (p.Cys340Ser). This variant is present in population databases (rs370480083, gnomAD 0.0009%). This variant has not been reported in the literature in individuals affected with BACH2-related conditions. ClinVar contains an entry for this variant (Variation ID: 2095421). Invitae Evidence Modeling of protein sequence and biophysical properties (such as structural, functional, and spatial information, amino acid conservation, physicochemical variation, residue mobility, and thermodynamic stability) indicates that this missense variant is not expected to disrupt BACH2 protein function with a negative predictive value of 80%. In summary, the available evidence is currently insufficient to determine the role of this variant in disease. Therefore, it has been classified as a Variant of Uncertain Significance.